The following is an entry in ClinVar:

ClinVar aggregate classification (germline): Conflicting classifications of pathogenicity. Review status: criteria provided, conflicting classifications (1 of 4 stars). 15 submissions from 15 submitters: Pathogenic (3); Likely pathogenic (7); Uncertain significance (4). 1 of the submissions does not count toward it. Last evaluated 2026-04-14.

Conditions:
BBS1-related disorder. Also called: BBS1-related condition.
Bardet-Biedl syndrome (BBS). Identifiers: Orphanet 110, MedGen C0752166, MONDO:0015229.
Bardet-Biedl syndrome 1 (BBS1). Identifiers: MedGen C2936862, MONDO:0008854, OMIM 209900. Disease mechanism: loss of function.

Allele frequency attached by ClinVar (database versions not stated): gnomAD 0.00001 and 0.00011; TOPMed 0.00002; gnomAD exomes 0.00029; ExAC 0.00031; 1000 Genomes Project 30x 0.00109; 1000 Genomes Project 0.00120.

Submissions 1 to 11 of 15:

Women's Health and Genetics/Laboratory Corporation of America, LabCorp
Classification: Likely pathogenic for Bardet-Biedl syndrome. Last evaluated: 2026-04-14. Review status: criteria provided, single submitter. Criteria: LabCorp Variant Classification Summary - May 2015. Collection method: clinical testing. Allele origin: germline.
Comment: Variant summary: BBS1 c.442G>A (p.Asp148Asn) results in a conservative amino acid change located in the Bardet-Biedl syndrome type 1, N-terminal (IPR032728) of the encoded protein sequence. Algorithms developed to predict the effect of missense changes on protein structure and function are either unavailable or do not agree on the potential impact of this missense change. The variant allele was found at a frequency of 0.00029 in 251456 control chromosomes, predominantly at a frequency of 0.0023 within the South Asian subpopulation in the gnomAD database. This frequency in the South Asian subpopulation is approximately 1.6 fold of the estimated maximal expected allele frequency for a pathogenic variant in BBS1 causing Bardet-Biedl Syndrome phenotype (0.0015), suggesting that the variant is a benign polymorphism found primarily in populations of South Asian origin or could represent a higher carrier frequency in this population. c.442G>A has been reported in the literature in multiple comprehensively genotyped and clinically characterized individuals affected with Bardet-Biedl Syndrome (Beales_2003, Ajmal_2013). These data indicate that the variant is very likely to be associated with disease. At least one publication reports experimental evidence evaluating an impact on protein function. The most pronounced variant effect results in a characterization of functionally null outcome in a Zebra fish experimental system involving injection of morphilino against the BBS1 gene, evaluating defects in gastrulation, quantification of body axis shortening defect and rescue of the morphant phenotype by human BBS1 mRNA (Zaghloul_2010). The following publications have been ascertained in the context of this evaluation (PMID: 23559858, 12677556, 12872256, 20498079). ClinVar contains an entry for this variant (Variation ID: 645579). Based on the evidence outlined above, the variant was classified as likely pathogenic.

PreventionGenetics, part of Exact Sciences
Classification: Uncertain significance for BBS1-related condition. Last evaluated: 2025-10-08. Review status: criteria provided, single submitter. Criteria: ACMG Guidelines, 2015. Collection method: clinical testing. Allele origin: germline.
Comment: The BBS1 c.442G>A variant is predicted to result in the amino acid substitution p.Asp148Asn. This variant was observed in individuals with Bardet-Biedl syndrome (Beales et al. 2003. PubMed ID: 12677556; Zaghloul et al. 2010. PubMed ID: 20498079; Hoskins et al. 2003. PubMed ID: 12872256). The authors did not publish the individuals' zygosity, if there was a second variant on the other allele, or family studies to help assess the pathogenicity of this variant. This variant has been reported in the homozygous state in an individual with Bardet-Biedl syndrome (Shrestha et al 2019. PubMed ID: 31534736). A functional study in zebrafish indicated that this variant affects BBS1 function (Supplemental Table 4, Zaghloul et al 2010. PubMed ID: 20498079). This variant is reported in 0.23% of alleles in individuals of South Asian descent in gnomAD. This variant has interpretations ranging from uncertain significance to pathogenic in ClinVar. Although we suspect this variant may be pathogenic, at this time, the clinical significance of this variant is uncertain.

3billion
Classification: Likely pathogenic for Bardet-Biedl syndrome 1. Last evaluated: 2025-09-26. Review status: criteria provided, single submitter. Criteria: ACMG Guidelines, 2015. Collection method: clinical testing. Allele origin: germline. Affected: yes.
Comment: The variant is observed at an extremely low frequency in the gnomAD v4.1.0 dataset (total allele frequency: 0.015%). Predicted Consequence/Location: Missense variant. The majority of the known disease-causing variants of this gene are variants expected to result in premature termination of the protein. Damaging effect on gene or gene product predicted by in silico programs is uncertain [REVEL: 0.52 (damaging >=0.6, benign <0.4)]. The same nucleotide change resulting in the same amino acid change has been previously reported as pathogenic/likely pathogenic with strong evidence (ClinVar ID: VCV000645579 /PMID: 12677556). Therefore, this variant is classified as Likely pathogenic according to the recommendation of ACMG/AMP guideline.

Labcorp Genetics (formerly Invitae), Labcorp
Classification: Pathogenic for Bardet-Biedl syndrome. Last evaluated: 2025-09-21. Review status: criteria provided, single submitter. Criteria: Invitae Variant Classification Sherloc (09022015). Collection method: clinical testing. Allele origin: germline.
Comment: This sequence change replaces aspartic acid, which is acidic and polar, with asparagine, which is neutral and polar, at codon 148 of the BBS1 protein (p.Asp148Asn). This variant is present in population databases (rs200688985, gnomAD 0.2%), including at least one homozygous and/or hemizygous individual. This missense change has been observed in individual(s) with Bardet-Biedl syndrome (PMID: 23559858). It has also been observed to segregate with disease in related individuals. ClinVar contains an entry for this variant (Variation ID: 645579). Invitae Evidence Modeling of protein sequence and biophysical properties (such as structural, functional, and spatial information, amino acid conservation, physicochemical variation, residue mobility, and thermodynamic stability) has been performed for this missense variant. However, the output from this modeling did not meet the statistical confidence thresholds required to predict the impact of this variant on BBS1 protein function. Experimental studies have shown that this missense change affects BBS1 function (PMID: 20498079). For these reasons, this variant has been classified as Pathogenic.

Blueprint Genetics
Classification: Likely pathogenic for BBS1-related disorders. Last evaluated: 2024-11-27. Review status: criteria provided, single submitter. Criteria: ACMG Guidelines, 2015. Collection method: clinical testing. Allele origin: germline. Affected: yes. Observed: 5 variant alleles.

Victorian Clinical Genetics Services, Murdoch Childrens Research Institute
Classification: Pathogenic for Bardet-Biedl syndrome 1. Last evaluated: 2024-10-10. Review status: criteria provided, single submitter. Criteria: ACMG Guidelines, 2015. Collection method: clinical testing. Allele origin: germline. Inheritance: Autosomal recessive inheritance.
Comment: Based on the classification scheme VCGS_Germline_v1.3.5, this variant is classified as Pathogenic. Following criteria are met: 0102 - Loss of function is a known mechanism of disease in this gene and is associated with Bardet-Biedl syndrome 1 (MIM#209900). (I) 0106 - This gene is associated with autosomal recessive disease. (I) 0115 - Variants in this gene are known to have variable expressivity. The phenotypes associated with Bardet-Biedl syndrome are known to have both interfamilial and intrafamilial variation (PMID: 20301537). (I) 0200 - Variant is predicted to result in a missense amino acid change from aspartic acid to asparagine. (I) 0251 - This variant is heterozygous. (I) 0304 - Variant is present in gnomAD (v4) <0.01 for a recessive condition (241 heterozygotes, 2 homozygotes). (SP) 0309 - An alternative amino acid change at the same position has been observed in gnomAD (v4; 1 heterozygote, 0 homozygotes). (I) 0502 - Missense variant with conflicting in silico predictions and uninformative conservation. (I) 0600 - Variant is located in the annotated ciliary BBSome complex subunit 1 (DECIPHER). (I) 0801 - This variant has strong previous evidence of pathogenicity in unrelated individuals. This variant has been classified as pathogenic and likely pathogenic by clinical laboratories in ClinVar, as well as VUS entries. This variant has also been observed in multiple unrelated homozygous individuals with Bardet-Biedl syndrome (PMID: 23559858, 12677556). (SP) Legend: (SP) - Supporting pathogenic, (I) - Information, (SB) - Supporting benign

Fulgent Genetics
Classification: Uncertain significance for Bardet-Biedl syndrome 1. Last evaluated: 2024-05-28. Review status: criteria provided, single submitter. Criteria: ACMG Guidelines, 2015. Collection method: clinical testing. Allele origin: germline.

Revvity Omics, Revvity
Classification: Likely pathogenic for Bardet-Biedl syndrome 1. Last evaluated: 2024-02-29. Review status: criteria provided, single submitter. Criteria: ACMG Guidelines, 2015. Collection method: clinical testing. Allele origin: germline.

Laboratory of Medical Genetics, National & Kapodistrian University of Athens
Classification: Likely pathogenic for Bardet-Biedl syndrome 1. Last evaluated: 2024-02-01. Review status: criteria provided, single submitter. Criteria: ACMG Guidelines, 2015. Collection method: curation. Allele origin: germline. Affected: no.

Department of Pathology and Laboratory Medicine, Sinai Health System
Classification: Likely pathogenic for Bardet-Biedl syndrome. Last evaluated: 2023-04-24. Review status: criteria provided, single submitter. Criteria: ACMG Guidelines, 2015. Collection method: research. Allele origin: germline.

CeGaT Center for Human Genetics Tuebingen
Classification: Likely pathogenic. Last evaluated: 2023-03-01. Review status: criteria provided, single submitter. Criteria: CeGaT Center For Human Genetics Tuebingen Variant Classification Criteria Version 2. Collection method: clinical testing. Allele origin: germline. Affected: yes. Observed: 2 variant alleles.
Comment: BBS1: PM2, PM3, PP1, PS3:Supporting

NM_024649.5(BBS1):c.442G>A (p.Asp148Asn)

Gene: BBS1 (Bardet-Biedl syndrome 1; plus strand). Cytogenetic location: 11q13.2.
Variant type: single nucleotide variant.
Coding change: c.442G>A on transcript NM_024649.5 (MANE Select); coding-DNA position 442, G replaced by A.
Protein change: p.Asp148Asn; replaces aspartic acid 148 with asparagine.
Molecular consequence: missense variant.
Genome position (GRCh38, 1-based): chr11:66,515,549, G>A. VCF-style: chr11-66515549-G-A. GRCh37 (hg19) VCF-style: chr11-66283020-G-A.
Other names: short protein forms D148N.
Identifiers: ClinVar variation 645579 (VCV000645579.63), dbSNP rs200688985, ClinGen allele CA6123346.